The following is an entry in ClinVar:

ClinVar aggregate classification (germline): Uncertain significance (1 of 4 stars; one submission).

Conditions:
Immunodeficiency 14 (IMD14A). Also called: p110-DELTA-ACTIVATING MUTATION CAUSING SENESCENT T CELLS, LYMPHADENOPATHY, AND IMMUNODEFICIENCY; ACTIVATED PI3K-DELTA SYNDROME 1; Activated PI3K Delta Syndrome Type 1 (APDS1); IMMUNODEFICIENCY 14A WITH LYMPHOPROLIFERATION, AUTOSOMAL DOMINANT. Identifiers: Orphanet 397596, Orphanet 693661, MedGen C5907821, MONDO:0014222, OMIM 615513.

gnomAD v4.1: 6 of 1,612,024 alleles (0.00037%); highest among the groups gnomAD compares: Non-Finnish European, 0.00042%; no homozygotes.

Submission:

Labcorp Genetics (formerly Invitae), Labcorp
Classification: Uncertain significance for Activated PI3K-delta syndrome. Last evaluated: 2025-11-04. Review status: criteria provided, single submitter. Criteria: Invitae Variant Classification Sherloc (09022015). Collection method: clinical testing. Allele origin: germline.
Comment: This sequence change replaces aspartic acid, which is acidic and polar, with asparagine, which is neutral and polar, at codon 378 of the PIK3CD protein (p.Asp378Asn). This variant is not present in population databases (gnomAD no frequency). This variant has not been reported in the literature in individuals affected with PIK3CD-related conditions. Invitae Evidence Modeling of protein sequence and biophysical properties (such as structural, functional, and spatial information, amino acid conservation, physicochemical variation, residue mobility, and thermodynamic stability) indicates that this missense variant is not expected to disrupt PIK3CD protein function with a negative predictive value of 80%. In summary, the available evidence is currently insufficient to determine the role of this variant in disease. Therefore, it has been classified as a Variant of Uncertain Significance.

NM_005026.5(PIK3CD):c.1132G>A (p.Asp378Asn)

Genes: PIK3CD (phosphatidylinositol-4,5-bisphosphate 3-kinase catalytic subunit delta; plus strand), LOC126805612 (MED14-independent group 3 enhancer GRCh37_chr1:9778914-9780113; plus strand). Cytogenetic location: 1p36.22.
Variant type: single nucleotide variant.
Coding change: c.1132G>A on transcript NM_005026.5 (MANE Select); coding-DNA position 1132, G replaced by A.
Protein change: p.Asp378Asn; replaces aspartic acid 378 with asparagine.
Molecular consequence: missense variant.
Genome position (GRCh38, 1-based): chr1:9,718,805, G>A. VCF-style: chr1-9718805-G-A. GRCh37 (hg19) VCF-style: chr1-9778863-G-A.
Other names: c.1132G>A, p.Asp378Asn (NM_001350234.2, NM_001437546.1, NM_001437547.1 and 2 more transcripts); c.1045G>A, p.Asp349Asn (NM_001350235.1); short protein forms D378N, D349N.
Identifiers: ClinVar variation 4745356 (VCV004745356.1).